The following is an entry in ClinVar:

ClinVar aggregate classification (germline): Uncertain significance. Review status: criteria provided, multiple submitters, no conflicts (2 of 4 stars). 2 submissions from 2 submitters: Uncertain significance (2). Last evaluated 2023-04-14.

Conditions:
Cardiovascular phenotype. Identifiers: MedGen CN230736.

Allele frequency attached by ClinVar (database versions not stated): gnomAD 0.00001.
gnomAD v4.1: 2 of 1,614,000 alleles (0.00012%); highest among the groups gnomAD compares: African/African-American, 0.0027%; no homozygotes.

Submissions (2):

GeneDx
Classification: Uncertain significance. Last evaluated: 2023-04-14. Review status: criteria provided, single submitter. Criteria: GeneDx Variant Classification Process June 2021. Collection method: clinical testing. Allele origin: germline. Affected: yes.
Comment: Not observed at significant frequency in large population cohorts (gnomAD); In silico analysis supports that this missense variant has a deleterious effect on protein structure/function; Has not been previously published as pathogenic or benign to our knowledge

Ambry Genetics
Classification: Uncertain significance for Cardiovascular phenotype. Last evaluated: 2020-09-17. Review status: criteria provided, single submitter. Criteria: Ambry Variant Classification Scheme 2023. Collection method: clinical testing. Allele origin: germline.
Comment: The p.M2588R variant (also known as c.7763T>G), located in coding exon 38 of the ANK2 gene, results from a T to G substitution at nucleotide position 7763. This exon is expressed solely in brain (Mohler PJ et al. Circulation. 2007;115(4):432-41). The methionine at codon 2588 is replaced by arginine, an amino acid with similar properties. This amino acid position is highly conserved in available vertebrate species. In addition, this alteration is predicted to be deleterious by in silico analysis. Since supporting evidence is limited at this time, the clinical significance of this alteration remains unclear.

NM_001148.6(ANK2):c.7763T>G (p.Met2588Arg)

Genes: ANK2 (ankyrin 2; plus strand), LOC126807137 (CDK7 strongly-dependent group 2 enhancer GRCh37_chr4:114276560-114277759; plus strand). Cytogenetic location: 4q26.
Variant type: single nucleotide variant.
Coding change: c.7763T>G on transcript NM_001148.6 (MANE Select); coding-DNA position 7763, T replaced by G.
Protein change: p.Met2588Arg; replaces methionine 2588 with arginine.
Molecular consequence: missense variant. On other transcripts: intron variant (68).
Genome position (GRCh38, 1-based): chr4:113,356,381, T>G. VCF-style: chr4-113356381-T-G. GRCh37 (hg19) VCF-style: chr4-114277537-T-G.
Other names: c.7529T>G, p.Met2510Arg (NM_001386142.1); c.4163T>G, p.Met1388Arg (NM_001386166.1); c.7904T>G, p.Met2635Arg (NM_001386174.1); c.7880T>G, p.Met2627Arg (NM_001386175.1); c.4412-4442T>G (NM_001386186.2, NM_001386148.2); c.4214-4442T>G (NM_001354269.3); c.4292-4442T>G (NM_001386187.2); c.4253-4442T>G (NM_001386147.1); and 35 more; short protein forms M1388R, M2627R, M2588R, M2510R, M2635R.
Identifiers: ClinVar variation 1760511 (VCV001760511.3), dbSNP rs753759800, ClinGen allele CA357931984.